The following is an entry in ClinVar:

ClinVar aggregate classification (germline): Pathogenic. Review status: criteria provided, multiple submitters, no conflicts (2 of 4 stars). 2 submissions from 2 submitters: Pathogenic (2). Last evaluated 2025-11-25.

Conditions:
Kartagener syndrome (CILD1). Also called: CILIARY DYSKINESIA, PRIMARY, 1; CILIARY DYSKINESIA, PRIMARY, 1, WITH OR WITHOUT SITUS INVERSUS; IMMOTILE CILIA SYNDROME; POLYNESIAN BRONCHIECTASIS; Dextrocardia bronchiectasis and sinusitis; SIEWERT SYNDROME. Identifiers: Orphanet 244, MedGen C4551906, MONDO:0009484, OMIM 244400.
Primary ciliary dyskinesia. Also called: Ciliary dyskinesia. Identifiers: Orphanet 244, MedGen C0008780, MONDO:0016575, HP:0012265.

Submissions (2):

Labcorp Genetics (formerly Invitae), Labcorp
Classification: Pathogenic for Primary ciliary dyskinesia. Last evaluated: 2025-11-25. Review status: criteria provided, single submitter. Criteria: Invitae Variant Classification Sherloc (09022015). Collection method: clinical testing. Allele origin: germline.
Comment: This sequence change creates a premature translational stop signal (p.Met511Ilefs*3) in the DNAI1 gene. It is expected to result in an absent or disrupted protein product. Loss-of-function variants in DNAI1 are known to be pathogenic (PMID: 16858015, 29363216). This variant is not present in population databases (gnomAD no frequency). This variant has not been reported in the literature in individuals affected with DNAI1-related conditions. Algorithms developed to predict the effect of sequence changes on RNA splicing suggest that this variant may disrupt the consensus splice site. For these reasons, this variant has been classified as Pathogenic.

Myriad Genetics, Inc.
Classification: Pathogenic for Kartagener syndrome. Last evaluated: 2024-10-30. Review status: criteria provided, single submitter. Criteria: Myriad Autosomal Dominant, Autosomal Recessive and X-Linked Classification Criteria (2023). Collection method: clinical testing. Allele origin: unknown.
Comment: NM_012144.2(DNAI1):c.1533delG(M511Ifs*3) is expected to be pathogenic in the context of primary ciliary dyskinesia, DNAI1-related. This variant is predicted to lead to an abnormal or absent protein product due to the creation of a premature termination codon in DNAI1, a gene where loss-of-function variants are known to be pathogenic. Please note: this variant was assessed in the context of healthy population screening.

Literature cited by the submitters: PubMed 16858015 (cited by Labcorp Genetics (formerly Invitae), Labcorp); PubMed 29363216 (cited by Labcorp Genetics (formerly Invitae), Labcorp).

NM_012144.4(DNAI1):c.1533del (p.Met511fs)

Gene: DNAI1 (dynein axonemal intermediate chain 1; plus strand). Cytogenetic location: 9p13.3.
Variant type: Deletion.
Coding change: c.1533del on transcript NM_012144.4 (MANE Select); coding-DNA position 1533, one base deleted (G; older notation c.1533delG).
Protein change: p.Met511fs; shifts the reading frame from methionine 511.
Molecular consequence: frameshift variant.
Genome position (GRCh38, 1-based): chr9:34,513,155, G deleted. VCF-style (leftmost placement, unchanged base first): chr9-34513154-TG-T. GRCh37 (hg19) VCF-style: chr9-34513152-TG-T.
Other names: c.1545del, p.Met515fs (NM_001281428.2); short protein forms M515fs, M511fs.
Identifiers: ClinVar variation 4731621 (VCV004731621.2).